The following is an entry in ClinVar:

ClinVar aggregate classification (germline): Uncertain significance. Review status: criteria provided, multiple submitters, no conflicts (2 of 4 stars). 3 submissions from 3 submitters: Uncertain significance (3). Last evaluated 2024-08-12.

Conditions:
FAT1-related disorder. Also called: FAT1-related condition.

Allele frequency attached by ClinVar (database versions not stated): gnomAD 0.00005; TOPMed 0.00008; ExAC 0.00012; gnomAD exomes 0.00012.
gnomAD v4.1: 189 of 1,613,850 alleles (0.012%); highest among the groups gnomAD compares: Non-Finnish European, 0.015%; no homozygotes.

Submissions (3):

GeneDx
Classification: Uncertain significance. Last evaluated: 2024-08-12. Review status: criteria provided, single submitter. Criteria: GeneDx Variant Classification Process June 2021. Collection method: clinical testing. Allele origin: germline. Affected: yes.
Comment: In silico analysis supports that this missense variant has a deleterious effect on protein structure/function; Has not been previously published as pathogenic or benign to our knowledge

PreventionGenetics, part of Exact Sciences
Classification: Uncertain significance for FAT1-related condition. Last evaluated: 2022-12-18. Review status: criteria provided, single submitter. Criteria: ACMG Guidelines, 2015. Collection method: clinical testing. Allele origin: germline.
Comment: The FAT1 c.2417G>A variant is predicted to result in the amino acid substitution p.Arg806His. To our knowledge, this variant has not been reported in patients with FAT1-related renal phenotypes. This variant is reported in 0.019% of alleles in individuals of European (Non-Finnish) descent in gnomAD. At this time, the clinical significance of this variant is uncertain due to the absence of conclusive functional and genetic evidence.

Department of Pathology and Laboratory Medicine, Sinai Health System
Classification: Uncertain significance for FAT1-related disorder. Last evaluated: 2022-05-25. Review status: criteria provided, single submitter. Criteria: ACMG Guidelines, 2015. Collection method: research. Allele origin: germline.

NM_005245.4(FAT1):c.2417G>A (p.Arg806His)

Gene: FAT1 (FAT atypical cadherin 1; minus strand). Cytogenetic location: 4q35.2.
Variant type: single nucleotide variant.
Coding change: c.2417G>A on transcript NM_005245.4 (MANE Select); coding-DNA position 2417, G replaced by A.
Protein change: p.Arg806His; replaces arginine 806 with histidine.
Molecular consequence: missense variant.
Genome position (GRCh38, 1-based): chr4:186,707,411, C>T on the plus strand (G>A on the coding strand, the complement: FAT1 is on the minus strand). VCF-style: chr4-186707411-C-T. GRCh37 (hg19) VCF-style: chr4-187628565-C-T.
Other names: short protein forms R806H.
Identifiers: ClinVar variation 2628947 (VCV002628947.3), dbSNP rs765342648, ClinGen allele CA3167264.